The following is an entry in ClinVar:

NM_007294.4(BRCA1):c.5221_5224del (p.Val1741fs)

Gene: BRCA1 (BRCA1 DNA repair associated; minus strand). Cytogenetic location: 17q21.31.
Variant type: Deletion.
Coding change: c.5221_5224del on transcript NM_007294.4 (MANE Select); coding-DNA positions 5221 to 5224, 4 bases deleted (GTCA; older notation c.5221_5224delGTCA).
Protein change: p.Val1741fs; shifts the reading frame from valine 1741.
Molecular consequence: frameshift variant. On other transcripts: non-coding transcript variant (1).
Genome position (GRCh38, 1-based): chr17:43,057,105-43,057,108, TGAC deleted on the plus strand (GTCA on the coding strand, the reverse complement: BRCA1 is on the minus strand). VCF-style (leftmost placement, unchanged base first): chr17-43057104-TTGAC-T. GRCh37 (hg19) VCF-style: chr17-41209121-TTGAC-T.
Other names: 5340delGTCA; c.5092_5095delGTCA, p.Val1698Metfs (NM_001407689.1, NM_001407941.1, NM_001407681.1 and 6 more transcripts); c.5089_5092delGTCA, p.Val1697Metfs (NM_001407690.1, NM_001407691.1); c.5080_5083delGTCA, p.Val1694Metfs (NM_001407692.1, NM_001407694.1, NM_001407695.1 and 12 more transcripts); c.5077_5080delGTCA, p.Val1693Metfs (NM_001407732.1, NM_001407733.1, NM_001407734.1 and 21 more transcripts); c.5074_5077delGTCA, p.Val1692Metfs (NM_001407838.1, NM_001407839.1, NM_001407841.1 and 12 more transcripts); c.5221_5224delGTCA, p.Val1741Metfs (NM_001407854.1, NM_007294.3, NM_001407593.1 and 8 more transcripts); c.5218_5221delGTCA, p.Val1740Metfs (NM_001407858.1, NM_001407859.1, NM_001407860.1 and 17 more transcripts); and 76 more; short protein forms V1741fs, V1762fs, V1694fs, V637fs.
Identifiers: ClinVar variation 266536 (VCV000266536.6), dbSNP rs886040280, ClinGen allele CA10589608.
Genomic context (GRCh38, chr17:43,057,104, plus strand): 5'-AGCTTTACCTTTCTGTCCTGGGATTCTCTTGCTCGCTTTGGACCTTGGTGGTTTCTTCCA[TTGAC>T]CACATCTCCTCTGACTTCAAAATCATGCTGAAAGAAACCAAACACAACCCATCAGGATAA-3'

ClinVar aggregate classification (germline): Pathogenic. Review status: reviewed by expert panel (3 of 4 stars). 2 submissions from 2 submitters: Pathogenic (1). 1 of the submissions does not count toward it. Last evaluated 2016-10-18.

Conditions:
Breast-ovarian cancer, familial, susceptibility to, 1 (BROVCA1). Also called: BRCA1 Hereditary Breast and Ovarian Cancer; OVARIAN CANCER, SUSCEPTIBILITY TO. Identifiers: Orphanet 145, MedGen C2676676, MONDO:0011450, OMIM 604370. Disease mechanism: loss of function.

Submissions (2):

Evidence-based Network for the Interpretation of Germline Mutant Alleles (ENIGMA)
Classification: Pathogenic for Breast-ovarian cancer, familial, susceptibility to, 1. Last evaluated: 2016-10-18. Review status: reviewed by expert panel. Criteria: ENIGMA BRCA1/2 Classification Criteria (2015). Collection method: curation. Allele origin: germline.
Comment: Variant allele predicted to encode a truncated non-functional protein.

Consortium of Investigators of Modifiers of BRCA1/2 (CIMBA), c/o University of Cambridge
Classification: Pathogenic for Breast-ovarian cancer, familial, susceptibility to, 1. Last evaluated: 2015-10-02. Review status: criteria provided, single submitter. Criteria: CIMBA Mutation Classification guidelines May 2016. Collection method: clinical testing. Allele origin: germline. Not counted in ClinVar's aggregate classification.